The following is an entry in ClinVar:

NM_052867.4(NALCN):c.1726G>A (p.Ala576Thr)

Gene: NALCN (sodium leak channel, non-selective; minus strand). Cytogenetic location: 13q33.1.
Variant type: single nucleotide variant.
Coding change: c.1726G>A on transcript NM_052867.4 (MANE Select); coding-DNA position 1726, G replaced by A.
Protein change: p.Ala576Thr; replaces alanine 576 with threonine.
Molecular consequence: missense variant.
Genome position (GRCh38, 1-based): chr13:101,191,955, C>T on the plus strand (G>A on the coding strand, the complement: NALCN is on the minus strand). VCF-style: chr13-101191955-C-T. GRCh37 (hg19) VCF-style: chr13-101844306-C-T.
Other names: c.1726G>A, p.Ala576Thr (NM_001350748.2, NM_001350749.2); c.1639G>A, p.Ala547Thr (NM_001350750.2, NM_001350751.2); short protein forms A576T, A547T.
Identifiers: ClinVar variation 2114830 (VCV002114830.4), dbSNP rs2039699476, ClinGen allele CA388703443.
Genomic context (GRCh38, chr13:101,191,955, plus strand): 5'-GAAAAAAAAATGCTGAACTCACCAGAGTGGCAAAAAGATGATAGAGAATGAAATAGATGG[C>T]AACCACGGGTGCCCACATATGTCCCACAGCATTTAGAGTTTGGTCCATTACGTCCACCCA-3'
Protein context (NP_443099.1, residues 566-586): AVGHMWAPVV[Ala576Thr]IYFILYHLFA

ClinVar aggregate classification (germline): Uncertain significance (1 of 4 stars; one submission).

Allele frequency attached by ClinVar (database versions not stated): gnomAD 0.00001.
gnomAD v4.1: 1 of 1,609,082 alleles (0.000062%); highest among the groups gnomAD compares: African/African-American, 0.0013%; no homozygotes.

Submission:

Labcorp Genetics (formerly Invitae), Labcorp
Classification: Uncertain significance. Last evaluated: 2022-05-12. Review status: criteria provided, single submitter. Criteria: Invitae Variant Classification Sherloc (09022015). Collection method: clinical testing. Allele origin: germline.
Comment: This variant has not been reported in the literature in individuals affected with NALCN-related conditions. In summary, the available evidence is currently insufficient to determine the role of this variant in disease. Therefore, it has been classified as a Variant of Uncertain Significance. Advanced modeling of protein sequence and biophysical properties (such as structural, functional, and spatial information, amino acid conservation, physicochemical variation, residue mobility, and thermodynamic stability) performed at Invitae indicates that this missense variant is expected to disrupt NALCN protein function. This variant is not present in population databases (gnomAD no frequency). This sequence change replaces alanine, which is neutral and non-polar, with threonine, which is neutral and polar, at codon 576 of the NALCN protein (p.Ala576Thr).